The following is an entry in ClinVar:

ClinVar aggregate classification (germline): Uncertain significance. Review status: criteria provided, multiple submitters, no conflicts (2 of 4 stars). 2 submissions from 2 submitters: Uncertain significance (2). Last evaluated 2021-09-17.

Conditions:
Inborn genetic diseases. Identifiers: MedGen C0950123, MeSH D030342.

Allele frequency attached by ClinVar (database versions not stated): gnomAD exomes 0.00002 and 0.00004; ExAC 0.00004.
gnomAD v4.1: 29 of 1,614,154 alleles (0.0018%); highest among the groups gnomAD compares: South Asian, 0.031%; no homozygotes.

Submissions (2):

Labcorp Genetics (formerly Invitae), Labcorp
Classification: Uncertain significance. Last evaluated: 2021-09-17. Review status: criteria provided, single submitter. Criteria: Invitae Variant Classification Sherloc (09022015). Collection method: clinical testing. Allele origin: germline.
Comment: This sequence change replaces alanine with glycine at codon 287 of the LRRK1 protein (p.Ala287Gly). The alanine residue is weakly conserved and there is a small physicochemical difference between alanine and glycine. This variant is present in population databases (rs749068051, ExAC 0.02%). This variant has not been reported in the literature in individuals affected with LRRK1-related conditions. Algorithms developed to predict the effect of missense changes on protein structure and function (SIFT, PolyPhen-2, Align-GVGD) all suggest that this variant is likely to be tolerated. In summary, the available evidence is currently insufficient to determine the role of this variant in disease. Therefore, it has been classified as a Variant of Uncertain Significance.

Ambry Genetics
Classification: Uncertain significance for Inborn genetic diseases. Last evaluated: 2021-07-20. Review status: criteria provided, single submitter. Criteria: Ambry Variant Classification Scheme 2023. Collection method: clinical testing. Allele origin: germline.

NM_024652.6(LRRK1):c.860C>G (p.Ala287Gly)

Gene: LRRK1 (leucine rich repeat kinase 1; plus strand). Cytogenetic location: 15q26.3.
Variant type: single nucleotide variant.
Coding change: c.860C>G on transcript NM_024652.6 (MANE Select); coding-DNA position 860, C replaced by G.
Protein change: p.Ala287Gly; replaces alanine 287 with glycine.
Molecular consequence: missense variant.
Genome position (GRCh38, 1-based): chr15:101,008,934, C>G. VCF-style: chr15-101008934-C-G. GRCh37 (hg19) VCF-style: chr15-101549139-C-G.
Other names: c.860C>G (NM_024652.3); short protein forms A287G.
Identifiers: ClinVar variation 1376633 (VCV001376633.6), dbSNP rs749068051, ClinGen allele CA7760721.